The following is an entry in ClinVar:

ClinVar aggregate classification (germline): Uncertain significance (1 of 4 stars; one submission).

gnomAD v4.1: 12 of 1,209,272 alleles (0.00099%); highest among the groups gnomAD compares: Admixed American, 0.015%; no homozygotes.

Submission:

Ambry Genetics
Classification: Uncertain significance. Last evaluated: 2026-08-06. Review status: criteria provided, single submitter. Criteria: Ambry Variant Classification Scheme 2023. Collection method: clinical testing. Allele origin: germline.
Comment: The c.887G>C (p.G296A) alteration is located in exon 5 (coding exon 4) of the ZNF449 gene. This alteration results from a G to C substitution at nucleotide position 887, causing the glycine (G) at amino acid position 296 to be replaced by an alanine (A). Based on data from gnomAD, the C allele has an overall frequency of 0.001% (2/181935) total alleles studied. The highest observed frequency was 0.004% (1/27261) of Latino alleles. Based on insufficient or conflicting evidence, the clinical significance of this alteration remains unclear.

NM_152695.6(ZNF449):c.887G>C (p.Gly296Ala)

Gene: ZNF449 (zinc finger protein 449; plus strand). Cytogenetic location: Xq26.3.
Variant type: single nucleotide variant.
Coding change: c.887G>C on transcript NM_152695.6 (MANE Select); coding-DNA position 887, G replaced by C.
Protein change: p.Gly296Ala; replaces glycine 296 with alanine.
Molecular consequence: missense variant.
Genome position (GRCh38, 1-based): chrX:135,360,406, G>C. VCF-style: chrX-135360406-G-C. GRCh37 (hg19) VCF-style: chrX-134494331-G-C.
Other names: short protein forms G296A.
Identifiers: ClinVar variation 5032189 (VCV005032189.1).